The following is an entry in ClinVar:

ClinVar aggregate classification (germline): Uncertain significance (1 of 4 stars; one submission).

Conditions:
Mitochondrial DNA depletion syndrome, encephalomyopathic form with methylmalonic aciduria (MTDPS5). Also called: SUCLA2-Related Mitochondrial DNA Depletion Syndrome, Encephalomyopathic Form with Methylmalonic Aciduria; Mitochondrial encephalomyopathy aminoacidopathy; MITOCHONDRIAL DNA DEPLETION SYNDROME, ENCEPHALOMYOPATHIC FORM, WITH OR WITHOUT METHYLMALONIC ACIDURIA, AUTOSOMAL RECESSIVE, SUCLA2-RELATED; Mitochondrial DNA depletion syndrome 5 (encephalomyopathic with or without methylmalonic aciduria). Identifiers: Orphanet 1933, MedGen C5980207, MONDO:0012791, OMIM 612073.

Allele frequency attached by ClinVar (database versions not stated): TOPMed below 0.00001; gnomAD 0.00001.
gnomAD v4.1: 1 of 1,613,980 alleles (0.000062%); highest among the groups gnomAD compares: African/African-American, 0.0013%; no homozygotes.

Submission:

Labcorp Genetics (formerly Invitae), Labcorp
Classification: Uncertain significance for Mitochondrial DNA depletion syndrome, encephalomyopathic form with methylmalonic aciduria. Last evaluated: 2025-05-26. Review status: criteria provided, single submitter. Criteria: Invitae Variant Classification Sherloc (09022015). Collection method: clinical testing. Allele origin: germline.
Comment: This sequence change replaces methionine, which is neutral and non-polar, with valine, which is neutral and non-polar, at codon 61 of the SUCLA2 protein (p.Met61Val). This variant is not present in population databases (gnomAD no frequency). This variant has not been reported in the literature in individuals affected with SUCLA2-related conditions. ClinVar contains an entry for this variant (Variation ID: 1961772). Invitae Evidence Modeling of protein sequence and biophysical properties (such as structural, functional, and spatial information, amino acid conservation, physicochemical variation, residue mobility, and thermodynamic stability) indicates that this missense variant is not expected to disrupt SUCLA2 protein function with a negative predictive value of 80%. In summary, the available evidence is currently insufficient to determine the role of this variant in disease. Therefore, it has been classified as a Variant of Uncertain Significance.

NM_003850.3(SUCLA2):c.181A>G (p.Met61Val)

Gene: SUCLA2 (succinate-CoA ligase ADP-forming subunit beta; minus strand). Cytogenetic location: 13q14.2.
Variant type: single nucleotide variant.
Coding change: c.181A>G on transcript NM_003850.3 (MANE Select); coding-DNA position 181, A replaced by G.
Protein change: p.Met61Val; replaces methionine 61 with valine.
Molecular consequence: missense variant.
Genome position (GRCh38, 1-based): chr13:47,996,933, T>C on the plus strand (A>G on the coding strand, the complement: SUCLA2 is on the minus strand). VCF-style: chr13-47996933-T-C. GRCh37 (hg19) VCF-style: chr13-48571068-T-C.
Other names: short protein forms M61V.
Identifiers: ClinVar variation 1961772 (VCV001961772.5), dbSNP rs1950196315, ClinGen allele CA388154077.